The following is an entry in ClinVar:

ClinVar aggregate classification (germline): Uncertain significance (1 of 4 stars; one submission).

Allele frequency attached by ClinVar (database versions not stated): gnomAD exomes below 0.00001.
gnomAD v4.1: 3 of 1,613,882 alleles (0.00019%); highest among the groups gnomAD compares: Non-Finnish European, 0.00017%; no homozygotes.

Submission:

Labcorp Genetics (formerly Invitae), Labcorp
Classification: Uncertain significance. Last evaluated: 2022-07-16. Review status: criteria provided, single submitter. Criteria: Invitae Variant Classification Sherloc (09022015). Collection method: clinical testing. Allele origin: germline.
Comment: This sequence change replaces threonine, which is neutral and polar, with alanine, which is neutral and non-polar, at codon 477 of the CLTC protein (p.Thr477Ala). This variant is not present in population databases (gnomAD no frequency). This variant has not been reported in the literature in individuals affected with CLTC-related conditions. Algorithms developed to predict the effect of missense changes on protein structure and function are either unavailable or do not agree on the potential impact of this missense change (SIFT: "Deleterious"; PolyPhen-2: "Not Available"; Align-GVGD: "Class C0"). In summary, the available evidence is currently insufficient to determine the role of this variant in disease. Therefore, it has been classified as a Variant of Uncertain Significance.

NM_004859.4(CLTC):c.1417A>G (p.Thr473Ala)

Gene: CLTC (clathrin heavy chain; plus strand). Cytogenetic location: 17q23.1.
Variant type: single nucleotide variant.
Coding change: c.1417A>G on transcript NM_004859.4 (MANE Select); coding-DNA position 1417, A replaced by G.
Protein change: p.Thr473Ala; replaces threonine 473 with alanine.
Molecular consequence: missense variant.
Genome position (GRCh38, 1-based): chr17:59,663,890, A>G. VCF-style: chr17-59663890-A-G. GRCh37 (hg19) VCF-style: chr17-57741251-A-G.
Other names: c.1429A>G, p.Thr477Ala (NM_001288653.2); short protein forms T477A, T473A.
Identifiers: ClinVar variation 2008632 (VCV002008632.4), dbSNP rs2509380917, ClinGen allele CA400425174.